The following is an entry in ClinVar:

ClinVar aggregate classification (germline): Uncertain significance (1 of 4 stars; one submission).

Conditions:
Arrhythmogenic right ventricular dysplasia 10. Also called: Arrhythmogenic Right Ventricular Dysplasia/Cardiomyopathy10; Arrhythmogenic right ventricular dysplasia/cardiomyopathy, type 10; ARRHYTHMOGENIC RIGHT VENTRICULAR DYSPLASIA, FAMILIAL, 10. Identifiers: MedGen C1857777, MONDO:0012434, OMIM 610193.

Submission:

Labcorp Genetics (formerly Invitae), Labcorp
Classification: Uncertain significance for Arrhythmogenic right ventricular dysplasia 10. Last evaluated: 2023-09-13. Review status: criteria provided, single submitter. Criteria: Invitae Variant Classification Sherloc (09022015). Collection method: clinical testing. Allele origin: germline.
Comment: In summary, the available evidence is currently insufficient to determine the role of this variant in disease. Therefore, it has been classified as a Variant of Uncertain Significance. Algorithms developed to predict the effect of sequence changes on RNA splicing suggest that this variant may create or strengthen a splice site. This variant has not been reported in the literature in individuals affected with DSG2-related conditions. This variant is not present in population databases (gnomAD no frequency). This sequence change falls in intron 3 of the DSG2 gene. It does not directly change the encoded amino acid sequence of the DSG2 protein.

NM_001943.5(DSG2):c.217-7dup

Gene: DSG2 (desmoglein 2; plus strand). Cytogenetic location: 18q12.1.
Variant type: Duplication.
Coding change: c.217-7dup on transcript NM_001943.5 (MANE Select); 7 bases into the intron before coding-DNA position 217, one base duplicated (A; older notation c.217-7dupA).
Molecular consequence: intron variant.
Genome position (GRCh38, 1-based): chr18:31,520,796, A duplicated. VCF-style (leftmost placement, unchanged base first): chr18-31520795-T-TA. GRCh37 (hg19) VCF-style: chr18-29100758-T-TA.
Identifiers: ClinVar variation 2760502 (VCV002760502.3), dbSNP rs2494746907, ClinGen allele CA2697555382.